The following is an entry in ClinVar:

NM_000368.5(TSC1):c.364-273A>C

Gene: TSC1 (TSC complex subunit 1; minus strand). Cytogenetic location: 9q34.13.
Variant type: single nucleotide variant.
Coding change: c.364-273A>C on transcript NM_000368.5 (MANE Select); 273 bases into the intron before coding-DNA position 364, A replaced by C.
Molecular consequence: intron variant.
Genome position (GRCh38, 1-based): chr9:132,923,765, T>G on the plus strand (A>C on the coding strand, the complement: TSC1 is on the minus strand). VCF-style: chr9-132923765-T-G. GRCh37 (hg19) VCF-style: chr9-135799152-T-G.
Other names: c.1-273A>C (NM_001406620.1, NM_001406618.1, NM_001406625.1 and 10 more transcripts); c.211-273A>C (NM_001406613.1, NM_001406612.1, NM_001406610.1 and 2 more transcripts); c.-514-273A>C (NM_001406627.1, NM_001406628.1, NM_001406626.1); c.-656-273A>C (NM_001406629.1); c.364-273A>C (NM_001406603.1, NM_001406609.1, NM_001406597.1 and 16 more transcripts); c.-730-273A>C (NM_001406630.1).
Identifiers: ClinVar variation 4852738 (VCV004852738.2).
Genomic context (GRCh38, chr9:132,923,765, plus strand): 5'-GTGAGGACCATTTACAACACACCTATGCAAAGGCATCCGGGAGACGAGTTCAAACTTGAC[T>G]TGGGGACACCCAAGTCCTGCAGCCTTAGGATGCCCTATTGATAGCAGTTGGATGAAAACA-3'

ClinVar aggregate classification (germline): Likely benign (1 of 4 stars; one submission).

gnomAD v4.1: 1 of 451,672 alleles (0.00022%); highest among the groups gnomAD compares: Non-Finnish European, 0.00041%; no homozygotes.

Submission:

Dasa
Classification: Likely benign. Last evaluated: 2025-12-24. Review status: criteria provided, single submitter. Criteria: DASA Assertion Criteria. Collection method: clinical testing. Allele origin: germline.
Comment: NM_000368.5(TSC1):c.364-273A>C is an intronic variant. The variant context is inconsistent with a known disease-causing mechanism. Computational prediction algorithms are consistent with a benign effect. Therefore, based on the currently available evidence, this variant is classified as likely benign.